The following is an entry in ClinVar:

ClinVar aggregate classification (germline): Likely pathogenic. Review status: criteria provided, multiple submitters, no conflicts (2 of 4 stars). 2 submissions from 2 submitters: Likely pathogenic (2). Last evaluated 2025-04-02.

Conditions:
Dilated cardiomyopathy 1G (CMD1G). Identifiers: Orphanet 154, MedGen C1858763, MONDO:0011400, OMIM 604145.
Autosomal recessive limb-girdle muscular dystrophy type 2J (LGMDR10). Also called: Limb-girdle muscular dystrophy, type 2J; MUSCULAR DYSTROPHY, LIMB-GIRDLE, AUTOSOMAL RECESSIVE 10. Identifiers: Orphanet 140922, MedGen C1837342, MONDO:0012127, OMIM 608807.

Submissions (2):

Department of Human Genetics, Hannover Medical School
Classification: Likely pathogenic for Dilated cardiomyopathy 1G. Last evaluated: 2025-04-02. Review status: criteria provided, single submitter. Criteria: ACMG Guidelines, 2015. Collection method: clinical testing. Allele origin: germline. Affected: yes.
Comment: ACMG: PVS1, PM2_Supporting

Labcorp Genetics (formerly Invitae), Labcorp
Classification: Likely pathogenic for Dilated cardiomyopathy 1G; Autosomal recessive limb-girdle muscular dystrophy type 2J. Last evaluated: 2024-04-13. Review status: criteria provided, single submitter. Criteria: Invitae Variant Classification Sherloc (09022015). Collection method: clinical testing. Allele origin: germline.
Comment: This sequence change creates a premature translational stop signal (p.Ser22598Argfs*12) in the TTN gene. While this is not anticipated to result in nonsense mediated decay, it is expected to create a truncated TTN protein. This variant is not present in population databases (gnomAD no frequency). This variant has not been reported in the literature in individuals affected with TTN-related conditions. This variant is located in the A band of TTN (PMID: 25589632). Truncating variants in this region are significantly overrepresented in patients affected with dilated cardiomyopathy (PMID: 25589632). Truncating variants in this region have also been reported in individuals affected with autosomal recessive centronuclear myopathy (PMID: 23975875). In summary, the currently available evidence indicates that the variant is pathogenic, but additional data are needed to prove that conclusively. Therefore, this variant has been classified as Likely Pathogenic.

Literature cited by the submitters: PubMed 25589632 (cited by Labcorp Genetics (formerly Invitae), Labcorp); PubMed 23975875 (cited by Labcorp Genetics (formerly Invitae), Labcorp).

NM_001267550.2(TTN):c.67794del (p.Ser22598fs)

Genes: TTN (titin; minus strand), TTN-AS1 (TTN antisense RNA 1; plus strand), LOC126806423 (CDK7 strongly-dependent group 2 enhancer GRCh37_chr2:179443309-179444508; plus strand). Cytogenetic location: 2q31.2.
Variant type: Deletion.
Coding change: c.67794del on transcript NM_001267550.2 (MANE Select); coding-DNA position 67794, one base deleted (T; older notation c.67794delT).
Protein change: p.Ser22598fs; shifts the reading frame from serine 22598.
Molecular consequence: frameshift variant.
Genome position (GRCh38, 1-based): chr2:178,579,236, A deleted on the plus strand (T on the coding strand, the reverse complement: TTN is on the minus strand). VCF-style (leftmost placement, unchanged base first): chr2-178579235-CA-C. GRCh37 (hg19) VCF-style: chr2-179443962-CA-C.
Other names: c.62871del, p.Ser20957fs (NM_001256850.1); c.40599del, p.Ser13533fs (NM_003319.4); c.60090del, p.Ser20030fs (NM_133378.4); c.40974del, p.Ser13658fs (NM_133432.3); c.41175del, p.Ser13725fs (NM_133437.4); short protein forms S13658fs, S13725fs, S13533fs, S20030fs, S20957fs, S22598fs.
Identifiers: ClinVar variation 2946823 (VCV002946823.4), dbSNP rs2468872939, ClinGen allele CA2740096047.
Genomic context (GRCh38, chr2:178,579,235, plus strand): 5'-CAGCATCAGATTTTTGGCAATCGTACACTATAAGAGTTGTGTTAACCGCAGATGACTCAA[CA>C]CTGACTCTAGTGTCAGTTGCTAGAGGATCTTCCCCTTTCTTCCAGGAGACTGATGGAGCT-3'